The following is an entry in ClinVar:

NM_133259.4(LRPPRC):c.1830G>C (p.Gln610His)

Gene: LRPPRC (leucine rich pentatricopeptide repeat containing; minus strand). Cytogenetic location: 2p21.
Variant type: single nucleotide variant.
Coding change: c.1830G>C on transcript NM_133259.4 (MANE Select); coding-DNA position 1830, G replaced by C.
Protein change: p.Gln610His; replaces glutamine 610 with histidine.
Molecular consequence: missense variant.
Genome position (GRCh38, 1-based): chr2:43,948,424, C>G on the plus strand (G>C on the coding strand, the complement: LRPPRC is on the minus strand). VCF-style: chr2-43948424-C-G. GRCh37 (hg19) VCF-style: chr2-44175563-C-G.
Other names: c.1830G>C (NM_133259.3); short protein forms Q610H.
Identifiers: ClinVar variation 1405845 (VCV001405845.6), dbSNP rs367748843, ClinGen allele CA1638743.

ClinVar aggregate classification (germline): Uncertain significance. Review status: criteria provided, multiple submitters, no conflicts (2 of 4 stars). 3 submissions from 3 submitters: Uncertain significance (3). Last evaluated 2024-11-11.

Conditions:
Inborn genetic diseases. Identifiers: MedGen C0950123, MeSH D030342.

Allele frequency attached by ClinVar (database versions not stated): gnomAD exomes 0.00002 and 0.00003; ExAC 0.00003; gnomAD 0.00003; TOPMed 0.00004; ESP Exome Variant Server 0.00015.
gnomAD v4.1: 36 of 1,604,644 alleles (0.0022%); highest among the groups gnomAD compares: Non-Finnish European, 0.0029%; no homozygotes.

Submissions (3):

Labcorp Genetics (formerly Invitae), Labcorp
Classification: Uncertain significance. Last evaluated: 2024-11-11. Review status: criteria provided, single submitter. Criteria: Invitae Variant Classification Sherloc (09022015). Collection method: clinical testing. Allele origin: germline.
Comment: This sequence change replaces glutamine, which is neutral and polar, with histidine, which is basic and polar, at codon 610 of the LRPPRC protein (p.Gln610His). This variant is present in population databases (rs367748843, gnomAD 0.007%). This variant has not been reported in the literature in individuals affected with LRPPRC-related conditions. ClinVar contains an entry for this variant (Variation ID: 1405845). Invitae Evidence Modeling of protein sequence and biophysical properties (such as structural, functional, and spatial information, amino acid conservation, physicochemical variation, residue mobility, and thermodynamic stability) indicates that this missense variant is expected to disrupt LRPPRC protein function with a positive predictive value of 80%. In summary, the available evidence is currently insufficient to determine the role of this variant in disease. Therefore, it has been classified as a Variant of Uncertain Significance.

Blueprint Genetics
Classification: Uncertain significance. Last evaluated: 2024-03-13. Review status: criteria provided, single submitter. Criteria: ACMG Guidelines, 2015. Collection method: clinical testing. Allele origin: germline.

Ambry Genetics
Classification: Uncertain significance for Inborn genetic diseases. Last evaluated: 2024-01-22. Review status: criteria provided, single submitter. Criteria: Ambry Variant Classification Scheme 2023. Collection method: clinical testing. Allele origin: germline.